The following is an entry in ClinVar:

NM_001330260.2(SCN8A):c.5848G>A (p.Val1950Ile)

Gene: SCN8A (sodium voltage-gated channel alpha subunit 8; plus strand). Cytogenetic location: 12q13.13.
Variant type: single nucleotide variant.
Coding change: c.5848G>A on transcript NM_001330260.2 (MANE Select); coding-DNA position 5848, G replaced by A.
Protein change: p.Val1950Ile; replaces valine 1950 with isoleucine.
Molecular consequence: missense variant.
Genome position (GRCh38, 1-based): chr12:51,807,334, G>A. VCF-style: chr12-51807334-G-A. GRCh37 (hg19) VCF-style: chr12-52201118-G-A.
Other names: c.5725G>A, p.Val1909Ile (NM_001177984.3, NM_001369788.1); c.5848G>A, p.Val1950Ile (NM_014191.4); short protein forms V1909I, V1950I.
Identifiers: ClinVar variation 2703922 (VCV002703922.3), dbSNP rs2540336540, ClinGen allele CA384889896.

ClinVar aggregate classification (germline): Uncertain significance (1 of 4 stars; one submission).

Conditions:
Early-infantile DEE. Also called: Ohtahara syndrome; Early infantile epileptic encephalopathy with suppression bursts; Early infantile epileptic encephalopathy. Identifiers: Orphanet 1934, MedGen C0393706, MONDO:0800491.

Allele frequency attached by ClinVar (database versions not stated): gnomAD exomes below 0.00001.
gnomAD v4.1: 1 of 1,613,874 alleles (0.000062%); highest among the groups gnomAD compares: African/African-American, 0.0013%; no homozygotes.

Submission:

Labcorp Genetics (formerly Invitae), Labcorp
Classification: Uncertain significance for Early-infantile DEE. Last evaluated: 2023-12-18. Review status: criteria provided, single submitter. Criteria: Invitae Variant Classification Sherloc (09022015). Collection method: clinical testing. Allele origin: germline.
Comment: This sequence change replaces valine, which is neutral and non-polar, with isoleucine, which is neutral and non-polar, at codon 1950 of the SCN8A protein (p.Val1950Ile). This variant is not present in population databases (gnomAD no frequency). This variant has not been reported in the literature in individuals affected with SCN8A-related conditions. Advanced modeling of protein sequence and biophysical properties (such as structural, functional, and spatial information, amino acid conservation, physicochemical variation, residue mobility, and thermodynamic stability) performed at Invitae indicates that this missense variant is not expected to disrupt SCN8A protein function with a negative predictive value of 95%. In summary, the available evidence is currently insufficient to determine the role of this variant in disease. Therefore, it has been classified as a Variant of Uncertain Significance.